The following is an entry in ClinVar:

NM_017755.6(NSUN2):c.309G>C (p.Glu103Asp)

Gene: NSUN2 (NOP2/Sun RNA methyltransferase 2; minus strand). Cytogenetic location: 5p15.31.
Variant type: single nucleotide variant.
Coding change: c.309G>C on transcript NM_017755.6 (MANE Select); coding-DNA position 309, G replaced by C.
Protein change: p.Glu103Asp; replaces glutamic acid 103 with aspartic acid.
Molecular consequence: missense variant. On other transcripts: non-coding transcript variant (1), intron variant (1).
Genome position (GRCh38, 1-based): chr5:6,631,923, C>G on the plus strand (G>C on the coding strand, the complement: NSUN2 is on the minus strand). VCF-style: chr5-6631923-C-G. GRCh37 (hg19) VCF-style: chr5-6632036-C-G.
Other names: c.254+676G>C (NM_001193455.2); short protein forms E103D.
Identifiers: ClinVar variation 2956603 (VCV002956603.3), dbSNP rs766532384, ClinGen allele CA3192852.

ClinVar aggregate classification (germline): Uncertain significance (1 of 4 stars; one submission).

Allele frequency attached by ClinVar (database versions not stated): TOPMed 0.00002; gnomAD 0.00001; ExAC 0.00002.
gnomAD v4.1: 65 of 1,614,030 alleles (0.004%); highest among the groups gnomAD compares: Non-Finnish European, 0.0053%; no homozygotes.

Submission:

Labcorp Genetics (formerly Invitae), Labcorp
Classification: Uncertain significance. Last evaluated: 2025-09-29. Review status: criteria provided, single submitter. Criteria: Invitae Variant Classification Sherloc (09022015). Collection method: clinical testing. Allele origin: germline.
Comment: This sequence change replaces glutamic acid, which is acidic and polar, with aspartic acid, which is acidic and polar, at codon 103 of the NSUN2 protein (p.Glu103Asp). This variant is present in population databases (rs766532384, gnomAD 0.007%). This variant has not been reported in the literature in individuals affected with NSUN2-related conditions. ClinVar contains an entry for this variant (Variation ID: 2956603). Invitae Evidence Modeling of protein sequence and biophysical properties (such as structural, functional, and spatial information, amino acid conservation, physicochemical variation, residue mobility, and thermodynamic stability) indicates that this missense variant is not expected to disrupt NSUN2 protein function with a negative predictive value of 80%. In summary, the available evidence is currently insufficient to determine the role of this variant in disease. Therefore, it has been classified as a Variant of Uncertain Significance.